The following is an entry in ClinVar:

ClinVar aggregate classification (germline): Pathogenic (1 of 4 stars; one submission).

Submission:

GeneDx
Classification: Pathogenic. Last evaluated: 2012-08-31. Review status: criteria provided, single submitter. Criteria: GeneDx Variant Classification (06012015). Collection method: clinical testing. Allele origin: germline. Affected: yes.
Comment: c.64+2 T>A: IVS1+2 T>A in intron 1 of the LAMP2 gene (NM_002294.2). Although the c.64+2 T>A mutation has not been reported as a disease-causing mutation or as a benign polymorphism to our knowledge, this mutation destroys the canonical splice donor site in intron 1 of the LAMP2 gene and is predicted to cause abnormal gene splicing. The mutation is predicted to lead to either an abnormal message that is subject to nonsense-mediated mRNA decay, or to an abnormal protein product if the message is used for protein translation. Other splice site mutations in the LAMP2 gene have been reported in association with glycogen storage disease. In summary, c.64+2 T>A in the LAMP2 gene is interpreted as a disease-causing mutation. The variant is found in DCM panel(s).

NM_002294.3(LAMP2):c.64+2T>A

Gene: LAMP2 (lysosomal associated membrane protein 2; minus strand). Cytogenetic location: Xq24.
Variant type: single nucleotide variant.
Coding change: c.64+2T>A on transcript NM_002294.3 (MANE Select); the canonical splice donor site of the intron after coding-DNA position 64, T replaced by A.
Molecular consequence: splice donor variant.
Genome position (GRCh38, 1-based): chrX:120,469,104, A>T on the plus strand (T>A on the coding strand, the complement: LAMP2 is on the minus strand). VCF-style: chrX-120469104-A-T. GRCh37 (hg19) VCF-style: chrX-119602959-A-T.
Other names: c.64+2T>A (NM_001122606.1, NM_013995.2).
Identifiers: ClinVar variation 180884 (VCV000180884.2), dbSNP rs730880490, ClinGen allele CA333707.
Genomic context (GRCh38, chrX:120,469,104, plus strand): 5'-AGCTTTGAACTGGTGCCCCGGGCCCAGGCGGACAGACTAATCGGGAGGGCCCGACAACTC[A>T]CCCAGGACTAGGCAGACCAGAACGAGCCCTGAGCCCGGAACCGGGAAGAGGCGGAAGCAC-3'